The following is an entry in ClinVar:

NM_000038.6(APC):c.6248_6249del (p.Ile2083fs)

Gene: APC (APC regulator of Wnt signaling pathway; plus strand). Cytogenetic location: 5q22.2.
Variant type: Microsatellite.
Coding change: c.6248_6249del on transcript NM_000038.6 (MANE Select); coding-DNA positions 6248 to 6249, 2 bases deleted (TA; older notation c.6248_6249delTA).
Protein change: p.Ile2083fs; shifts the reading frame from isoleucine 2083.
Molecular consequence: frameshift variant. On other transcripts: non-coding transcript variant (2).
Genome position (GRCh38, 1-based): chr5:112,841,842-112,841,843, TA deleted; deleting any 2 consecutive bases within chr5:112,841,839-112,841,843 gives the same sequence; the c. name uses the placement nearest the transcript's 3' end. VCF-style (leftmost placement, unchanged base first): chr5-112841838-GAT-G. GRCh37 (hg19) VCF-style: chr5-112177535-GAT-G.
Other names: c.6248_6249del, p.Ile2083fs (NM_001127510.3, NM_001354895.2, NM_001407450.1); c.6194_6195del, p.Ile2065fs (NM_001127511.3); c.6302_6303del, p.Ile2101fs (NM_001354896.2, NM_001407447.1, NM_001407448.1 and 1 more transcripts); c.6278_6279del, p.Ile2093fs (NM_001354897.2); c.6173_6174del, p.Ile2058fs (NM_001354898.2); c.6164_6165del, p.Ile2055fs (NM_001354899.2); c.6125_6126del, p.Ile2042fs (NM_001354900.2); c.6071_6072del, p.Ile2024fs (NM_001354901.2, NM_001407453.1); and 11 more; short protein forms I1699fs, I1800fs, I1923fs, I1954fs, I1957fs, I1982fs, I1992fs, I2000fs.
Identifiers: ClinVar variation 4856760 (VCV004856760.1).

ClinVar aggregate classification (germline): Pathogenic (1 of 4 stars; one submission).

Conditions:
Familial adenomatous polyposis 1 (FAP1). Also called: FAMILIAL ADENOMATOUS POLYPOSIS 1, ATTENUATED; POLYPOSIS, ADENOMATOUS INTESTINAL. Identifiers: MedGen C2713442, MONDO:0021056, OMIM 175100. Disease mechanism: loss of function.

Submission:

Myriad Genetics, Inc.
Classification: Pathogenic for Familial adenomatous polyposis 1. Last evaluated: 2026-03-11. Review status: criteria provided, single submitter. Criteria: Myriad Autosomal Dominant, Autosomal Recessive and X-Linked Classification Criteria (2023). Collection method: clinical testing. Allele origin: unknown.
Comment: This variant is considered pathogenic. This variant creates a frameshift predicted to result in premature protein truncation.